The following is an entry in ClinVar:

ClinVar aggregate classification (germline): Uncertain significance (1 of 4 stars; one submission).

Conditions:
Dystonia 12 (DYT12). Also called: Rapid-Onset Dystonia-Parkinsonism (RDP); DYT-ATP1A3. Identifiers: Orphanet 71517, MedGen C1868681, MONDO:0007496, OMIM 128235.

Submission:

Labcorp Genetics (formerly Invitae), Labcorp
Classification: Uncertain significance for Dystonia 12. Last evaluated: 2024-06-03. Review status: criteria provided, single submitter. Criteria: Invitae Variant Classification Sherloc (09022015). Collection method: clinical testing. Allele origin: germline.
Comment: This sequence change replaces leucine, which is neutral and non-polar, with phenylalanine, which is neutral and non-polar, at codon 303 of the ATP1A3 protein (p.Leu303Phe). This variant is not present in population databases (gnomAD no frequency). This variant has not been reported in the literature in individuals affected with ATP1A3-related conditions. Advanced modeling of protein sequence and biophysical properties (such as structural, functional, and spatial information, amino acid conservation, physicochemical variation, residue mobility, and thermodynamic stability) performed at Invitae indicates that this missense variant is expected to disrupt ATP1A3 protein function with a positive predictive value of 95%. In summary, the available evidence is currently insufficient to determine the role of this variant in disease. Therefore, it has been classified as a Variant of Uncertain Significance.

NM_152296.5(ATP1A3):c.907C>T (p.Leu303Phe)

Gene: ATP1A3 (ATPase Na+/K+ transporting subunit alpha 3; minus strand). Cytogenetic location: 19q13.2.
Variant type: single nucleotide variant.
Coding change: c.907C>T on transcript NM_152296.5 (MANE Select); coding-DNA position 907, C replaced by T.
Protein change: p.Leu303Phe; replaces leucine 303 with phenylalanine.
Molecular consequence: missense variant.
Genome position (GRCh38, 1-based): chr19:41,985,004, G>A on the plus strand (C>T on the coding strand, the complement: ATP1A3 is on the minus strand). VCF-style: chr19-41985004-G-A. GRCh37 (hg19) VCF-style: chr19-42489156-G-A.
Other names: c.940C>T, p.Leu314Phe (NM_001256213.2); c.946C>T, p.Leu316Phe (NM_001256214.2); short protein forms L314F, L303F, L316F.
Identifiers: ClinVar variation 3636269 (VCV003636269.2).